The following is an entry in ClinVar:

NM_006031.6(PCNT):c.3480C>T (p.Asp1160=)

Gene: PCNT (pericentrin; plus strand). Cytogenetic location: 21q22.3.
Variant type: single nucleotide variant.
Coding change: c.3480C>T on transcript NM_006031.6 (MANE Select); coding-DNA position 3480, C replaced by T.
Protein change: p.Asp1160=; no amino-acid change (aspartic acid 1160 retained).
Molecular consequence: synonymous variant.
Genome position (GRCh38, 1-based): chr21:46,388,757, C>T. VCF-style: chr21-46388757-C-T. GRCh37 (hg19) VCF-style: chr21-47808672-C-T.
Other names: c.3480C>T (NM_006031.5); c.3126C>T, p.Asp1042= (NM_001315529.2).
Identifiers: ClinVar variation 2964748 (VCV002964748.4), dbSNP rs775474539, ClinGen allele CA10079334.

ClinVar aggregate classification (germline): Likely benign. Review status: criteria provided, multiple submitters, no conflicts (2 of 4 stars). 2 submissions from 2 submitters: Likely benign (2). Last evaluated 2024-12-12.

Conditions:
PCNT-related disorder. Also called: PCNT-related condition.

Allele frequency attached by ClinVar (database versions not stated): TOPMed 0.00001; ExAC 0.00002; gnomAD 0.00002; gnomAD exomes 0.00002.
gnomAD v4.1: 42 of 1,613,776 alleles (0.0026%); highest among the groups gnomAD compares: South Asian, 0.0099%; no homozygotes.

Submissions (2):

PreventionGenetics, part of Exact Sciences
Classification: Likely benign for PCNT-related condition. Last evaluated: 2024-12-12. Review status: criteria provided, single submitter. Criteria: ACMG Guidelines, 2015. Collection method: clinical testing. Allele origin: germline.
Comment: This variant is classified as likely benign based on ACMG/AMP sequence variant interpretation guidelines (Richards et al. 2015 PMID: 25741868, with internal and published modifications).

Labcorp Genetics (formerly Invitae), Labcorp
Classification: Likely benign. Last evaluated: 2024-02-11. Review status: criteria provided, single submitter. Criteria: Invitae Variant Classification Sherloc (09022015). Collection method: clinical testing. Allele origin: germline.